The following is an entry in ClinVar:

NM_001242.5(CD27):c.541C>T (p.Gln181Ter)

Genes: CD27 (CD27 molecule; plus strand), CD27-AS1 (CD27 antisense RNA 1; minus strand), LOC130007242 (ATAC-STARR-seq lymphoblastoid active region 5859; plus strand). Cytogenetic location: 12p13.31.
Variant type: single nucleotide variant.
Coding change: c.541C>T on transcript NM_001242.5 (MANE Select); coding-DNA position 541, C replaced by T.
Protein change: p.Gln181Ter; replaces glutamine 181 with a stop codon.
Molecular consequence: nonsense. On other transcripts: non-coding transcript variant (1).
Genome position (GRCh38, 1-based): chr12:6,450,897, C>T. VCF-style: chr12-6450897-C-T. GRCh37 (hg19) VCF-style: chr12-6560063-C-T.
Other names: short protein forms Q181*.
Identifiers: ClinVar variation 540910 (VCV000540910.9), dbSNP rs779092602, ClinGen allele CA6407035.

ClinVar aggregate classification (germline): Conflicting classifications of pathogenicity. Review status: criteria provided, conflicting classifications (1 of 4 stars). 2 submissions from 2 submitters: Pathogenic (1); Uncertain significance (1). Last evaluated 2023-12-31.

Conditions:
Lymphoproliferative syndrome 2 (LPFS2). Also called: CD27 DEFICIENCY; Combined immunodeficiency due to CD27 deficiency. Identifiers: Orphanet 238505, MedGen C3554540, MONDO:0014054, OMIM 615122.

Allele frequency attached by ClinVar (database versions not stated): ExAC 0.00001; gnomAD 0.00001; gnomAD exomes below 0.00001.

Submissions (2):

GeneDx
Classification: Uncertain significance. Last evaluated: 2023-12-31. Review status: criteria provided, single submitter. Criteria: GeneDx Variant Classification Process June 2021. Collection method: clinical testing. Allele origin: germline. Affected: yes.
Comment: Not observed at a significant frequency in large population cohorts (gnomAD); Nonsense variant predicted to result in protein truncation or nonsense mediated decay in a gene or region of a gene for which loss of function is not a well-established mechanism of disease; Has not been previously published as pathogenic or benign to our knowledge

Labcorp Genetics (formerly Invitae), Labcorp
Classification: Pathogenic for Lymphoproliferative syndrome 2. Last evaluated: 2022-10-08. Review status: criteria provided, single submitter. Criteria: Invitae Variant Classification Sherloc (09022015). Collection method: clinical testing. Allele origin: germline.
Comment: This variant has not been reported in the literature in individuals affected with CD27-related conditions. ClinVar contains an entry for this variant (Variation ID: 540910). For these reasons, this variant has been classified as Pathogenic. This variant is present in population databases (rs779092602, gnomAD 0.0009%). This sequence change creates a premature translational stop signal (p.Gln181*) in the CD27 gene. It is expected to result in an absent or disrupted protein product. Loss-of-function variants in CD27 are known to be pathogenic (PMID: 25843314).

Literature cited by the submitters: PubMed 25843314 (cited by Labcorp Genetics (formerly Invitae), Labcorp).